The following is an entry in ClinVar:

ClinVar aggregate classification (germline): Uncertain significance. Review status: criteria provided, multiple submitters, no conflicts (2 of 4 stars). 2 submissions from 2 submitters: Uncertain significance (2). Last evaluated 2024-05-18.

Conditions:
Finnish congenital nephrotic syndrome (NPHS1). Also called: NEPHROTIC SYNDROME, TYPE 1. Identifiers: Orphanet 839, MedGen C0403399, MONDO:0009732, OMIM 256300.

Allele frequency attached by ClinVar (database versions not stated): gnomAD exomes 0.00002.
gnomAD v4.1: 24 of 1,553,762 alleles (0.0015%); highest among the groups gnomAD compares: Non-Finnish European, 0.002%; no homozygotes.

Submissions (2):

Fulgent Genetics
Classification: Uncertain significance for Finnish congenital nephrotic syndrome. Last evaluated: 2024-05-18. Review status: criteria provided, single submitter. Criteria: ACMG Guidelines, 2015. Collection method: clinical testing. Allele origin: germline.

Labcorp Genetics (formerly Invitae), Labcorp
Classification: Uncertain significance. Last evaluated: 2022-06-10. Review status: criteria provided, single submitter. Criteria: Invitae Variant Classification Sherloc (09022015). Collection method: clinical testing. Allele origin: germline.
Comment: This sequence change falls in intron 1 of the NPHS1 gene. It does not directly change the encoded amino acid sequence of the NPHS1 protein. It affects a nucleotide within the consensus splice site. The frequency data for this variant in the population databases is considered unreliable, as metrics indicate poor data quality at this position in the gnomAD database. This variant has not been reported in the literature in individuals affected with NPHS1-related conditions. Variants that disrupt the consensus splice site are a relatively common cause of aberrant splicing (PMID: 17576681, 9536098). Algorithms developed to predict the effect of sequence changes on RNA splicing suggest that this variant is not likely to affect RNA splicing. In summary, the available evidence is currently insufficient to determine the role of this variant in disease. Therefore, it has been classified as a Variant of Uncertain Significance.

Literature cited by the submitters: PubMed 17576681 (cited by Labcorp Genetics (formerly Invitae), Labcorp); PubMed 9536098 (cited by Labcorp Genetics (formerly Invitae), Labcorp).

NM_004646.4(NPHS1):c.58+3G>T

Genes: NPHS1 (NPHS1 adhesion molecule, nephrin; minus strand), KIRREL2 (kirre like nephrin family adhesion molecule 2; plus strand). Cytogenetic location: 19q13.12.
Variant type: single nucleotide variant.
Coding change: c.58+3G>T on transcript NM_004646.4 (MANE Select); 3 bases into the intron after coding-DNA position 58, G replaced by T.
Molecular consequence: intron variant.
Genome position (GRCh38, 1-based): chr19:35,851,777, C>A on the plus strand (G>T on the coding strand, the complement: NPHS1 is on the minus strand). VCF-style: chr19-35851777-C-A. GRCh37 (hg19) VCF-style: chr19-36342679-C-A.
Identifiers: ClinVar variation 2056826 (VCV002056826.2), dbSNP rs1251375322, ClinGen allele CA633061425.